The following is an entry in ClinVar:

NM_002439.5(MSH3):c.1714G>C (p.Gly572Arg)

Gene: MSH3 (mutS homolog 3; plus strand). Cytogenetic location: 5q14.1.
Variant type: single nucleotide variant.
Coding change: c.1714G>C on transcript NM_002439.5 (MANE Select); coding-DNA position 1714, G replaced by C.
Protein change: p.Gly572Arg; replaces glycine 572 with arginine.
Molecular consequence: missense variant.
Genome position (GRCh38, 1-based): chr5:80,744,566, G>C. VCF-style: chr5-80744566-G-C. GRCh37 (hg19) VCF-style: chr5-80040385-G-C.
Other names: short protein forms G572R.
Identifiers: ClinVar variation 3398702 (VCV003398702.3).
Genomic context (GRCh38, chr5:80,744,566, plus strand): 5'-ACTGATATGAAAACCAAAGGAAGTTTGCTGTGGGTTTTAGACCACACTAAAACTTCATTT[G>C]GGAGACGGAAGTTAAAGAAGTGGGTGACCCAGCCACTCCTTAAATTAAGGTAAAAGGAAT-3'
Protein context (NP_002430.3, residues 562-582): WVLDHTKTSF[Gly572Arg]RRKLKKWVTQ

ClinVar aggregate classification (germline): Uncertain significance. Review status: criteria provided, multiple submitters, no conflicts (2 of 4 stars). 2 submissions from 2 submitters: Uncertain significance (2). Last evaluated 2024-07-28.

Conditions:
Hereditary cancer-predisposing syndrome. Also called: Hereditary Cancer Syndrome; Tumor predisposition; Hereditary neoplastic syndrome; Neoplastic Syndromes, Hereditary. Identifiers: Orphanet 140162, MedGen C0027672, MeSH D009386, MONDO:0015356.

Submissions (2):

Ambry Genetics
Classification: Uncertain significance for Hereditary cancer-predisposing syndrome. Last evaluated: 2024-07-28. Review status: criteria provided, single submitter. Criteria: Ambry Variant Classification Scheme 2023. Collection method: clinical testing. Allele origin: germline.
Comment: The p.G572R variant (also known as c.1714G>C), located in coding exon 12 of the MSH3 gene, results from a G to C substitution at nucleotide position 1714. The glycine at codon 572 is replaced by arginine, an amino acid with dissimilar properties. This amino acid position is conserved. In addition, this alteration is predicted to be deleterious by in silico analysis. Based on the available evidence, the clinical significance of this variant remains unclear.

Labcorp Genetics (formerly Invitae), Labcorp
Classification: Uncertain significance. Last evaluated: 2024-03-02. Review status: criteria provided, single submitter. Criteria: Invitae Variant Classification Sherloc (09022015). Collection method: clinical testing. Allele origin: germline.
Comment: This sequence change replaces glycine, which is neutral and non-polar, with arginine, which is basic and polar, at codon 572 of the MSH3 protein (p.Gly572Arg). This variant is not present in population databases (gnomAD no frequency). This variant has not been reported in the literature in individuals affected with MSH3-related conditions. An algorithm developed to predict the effect of missense changes on protein structure and function (PolyPhen-2) suggests that this variant is likely to be disruptive. In summary, the available evidence is currently insufficient to determine the role of this variant in disease. Therefore, it has been classified as a Variant of Uncertain Significance.